The following is an entry in ClinVar:

ClinVar aggregate classification (germline): Uncertain significance. Review status: criteria provided, single submitter (1 of 4 stars). 2 submissions from 2 submitters: Uncertain significance (1). 1 of the submissions does not count toward it. Last evaluated 2021-02-11.

Conditions:
Familial Mediterranean fever (FMF). Also called: POLYSEROSITIS, FAMILIAL PAROXYSMAL; POLYSEROSITIS, RECURRENT; Periodic peritonitis; Benign paroxysmal peritonitis. Identifiers: Orphanet 342, MedGen C0031069, MONDO:0018088, OMIM 249100. Disease mechanism: gain of function.

Allele frequency attached by ClinVar (database versions not stated): gnomAD 0.00001; gnomAD exomes below 0.00001; TOPMed 0.00001.
gnomAD v4.1: 3 of 1,603,680 alleles (0.00019%); highest among the groups gnomAD compares: Middle Eastern, 0.017%; no homozygotes.

Submissions (2):

Women's Health and Genetics/Laboratory Corporation of America, LabCorp
Classification: Uncertain significance. Last evaluated: 2021-02-11. Review status: criteria provided, single submitter. Criteria: LabCorp Variant Classification Summary - May 2015. Collection method: clinical testing. Allele origin: germline.
Comment: Variant summary: MEFV c.448G>A (p.Gly150Arg) results in a non-conservative amino acid change in the encoded protein sequence. Three of five in-silico tools predict a damaging effect of the variant on protein function. The variant was absent in 232774 control chromosomes (gnomAD). The available data on variant occurrences in the general population are insufficient to allow any conclusion about variant significance. To our knowledge, no occurrence of c.448G>A in individuals affected with Familial Mediterranean Fever and no experimental evidence demonstrating its impact on protein function have been reported. No clinical diagnostic laboratories have submitted clinical-significance assessments for this variant to ClinVar after 2014. Based on the evidence outlined above, the variant was classified as uncertain significance.

Natera, Inc.
Classification: Uncertain significance for Familial Mediterranean fever. Last evaluated: 2020-02-13. Review status: no assertion criteria provided. Collection method: clinical testing. Allele origin: germline. Not counted in ClinVar's aggregate classification.

NM_000243.3(MEFV):c.448G>A (p.Gly150Arg)

Gene: MEFV (MEFV innate immunity regulator, pyrin; minus strand). Cytogenetic location: 16p13.3.
Variant type: single nucleotide variant.
Coding change: c.448G>A on transcript NM_000243.3 (MANE Select); coding-DNA position 448, G replaced by A.
Protein change: p.Gly150Arg; replaces glycine 150 with arginine.
Molecular consequence: missense variant. On other transcripts: intron variant (1).
Genome position (GRCh38, 1-based): chr16:3,254,620, C>T on the plus strand (G>A on the coding strand, the complement: MEFV is on the minus strand). VCF-style: chr16-3254620-C-T. GRCh37 (hg19) VCF-style: chr16-3304620-C-T.
Other names: c.277+1691G>A (NM_001198536.2); short protein forms G150R.
Identifiers: ClinVar variation 997914 (VCV000997914.2), dbSNP rs1959088372, ClinGen allele CA394481454.